The following is an entry in ClinVar:

ClinVar aggregate classification (germline): Uncertain significance (0 of 4 stars; one submission).

Conditions:
NPHP3-related disorder. Also called: NPHP3-related disorders; NPHP3-related condition. Identifiers: MedGen CN379163.

gnomAD v4.1: 2 of 1,546,766 alleles (0.00013%); highest among the groups gnomAD compares: South Asian, 0.0012%; no homozygotes.

Submission:

PreventionGenetics, part of Exact Sciences
Classification: Uncertain significance for NPHP3-related condition. Last evaluated: 2024-08-27. Review status: no assertion criteria provided. Collection method: clinical testing. Allele origin: germline.
Comment: The NPHP3 c.-45C>T variant is located in the 5' untranslated region. To our knowledge, this variant has not been reported in the literature. This variant is reported in 0.0041% of alleles in individuals of South Asian descent in gnomAD. At this time, the clinical significance of this variant is uncertain due to the absence of conclusive functional and genetic evidence.

NM_153240.5(NPHP3):c.-45C>T

Genes: NPHP3 (nephrocystin 3; minus strand), NPHP3-ACAD11 (NPHP3-ACAD11 readthrough (NMD candidate); minus strand), NPHP3-AS1 (NPHP3 antisense RNA 1; plus strand). Cytogenetic location: 3q22.1.
Variant type: single nucleotide variant.
Coding change: c.-45C>T on transcript NM_153240.5 (MANE Select); 45 bases upstream of the start codon, C replaced by T.
Molecular consequence: 5 prime UTR variant. On other transcripts: non-coding transcript variant (1).
Genome position (GRCh38, 1-based): chr3:132,722,400, G>A on the plus strand (C>T on the coding strand, the complement: NPHP3 is on the minus strand). VCF-style: chr3-132722400-G-A. GRCh37 (hg19) VCF-style: chr3-132441244-G-A.
Identifiers: ClinVar variation 3356918 (VCV003356918.1).